The following is an entry in ClinVar:

ClinVar aggregate classification (germline): Benign/Likely benign. Review status: criteria provided, multiple submitters, no conflicts (2 of 4 stars). 4 submissions from 4 submitters: Benign (1); Likely benign (3). Last evaluated 2026-05-21.

Conditions:
Hereditary cancer-predisposing syndrome. Also called: Hereditary neoplastic syndrome; Neoplastic Syndromes, Hereditary; Hereditary Cancer Syndrome; Tumor predisposition. Identifiers: Orphanet 140162, MedGen C0027672, MeSH D009386, MONDO:0015356.
Cardiovascular phenotype. Identifiers: MedGen CN230736.
Neurofibromatosis, type 1 (NF1). Also called: Peripheral type neurofibromatosis; Neurofibromatosis, type I; VON RECKLINGHAUSEN DISEASE; NEUROFIBROMATOSIS, TYPE I, SOMATIC. Identifiers: Orphanet 636, MedGen C0027831, MONDO:0018975, OMIM 162200. Disease mechanism: loss of function.

Allele frequency attached by ClinVar (database versions not stated): TOPMed 0.00001.

Submissions (4):

Myriad Genetics, Inc.
Classification: Benign for Neurofibromatosis, type 1. Last evaluated: 2026-05-21. Review status: criteria provided, single submitter. Criteria: Myriad Autosomal Dominant, Autosomal Recessive and X-Linked Classification Criteria (2023). Collection method: clinical testing. Allele origin: unknown.
Comment: This variant is considered benign. This variant is a silent/synonymous amino acid change and it is not expected to impact splicing.

Labcorp Genetics (formerly Invitae), Labcorp
Classification: Likely benign for Neurofibromatosis, type 1. Last evaluated: 2025-02-03. Review status: criteria provided, single submitter. Criteria: Invitae Variant Classification Sherloc (09022015). Collection method: clinical testing. Allele origin: germline.

Genome-Nilou Lab
Classification: Likely benign for Neurofibromatosis, type 1. Last evaluated: 2022-03-15. Review status: criteria provided, single submitter. Criteria: ACMG Guidelines, 2015. Collection method: clinical testing. Allele origin: germline. Affected: no.

Ambry Genetics
Classification: Likely benign for Cardiovascular phenotype; Hereditary cancer-predisposing syndrome. Last evaluated: 2017-04-28. Review status: criteria provided, single submitter. Criteria: Ambry Variant Classification Scheme 2023. Collection method: clinical testing. Allele origin: germline.

NM_001042492.3(NF1):c.6399G>A (p.Leu2133=)

Gene: NF1 (neurofibromin 1; plus strand). Cytogenetic location: 17q11.2.
Variant type: single nucleotide variant.
Coding change: c.6399G>A on transcript NM_001042492.3 (MANE Select); coding-DNA position 6399, G replaced by A.
Protein change: p.Leu2133=; no amino-acid change (leucine 2133 retained).
Molecular consequence: synonymous variant.
Genome position (GRCh38, 1-based): chr17:31,336,886, G>A. VCF-style: chr17-31336886-G-A. GRCh37 (hg19) VCF-style: chr17-29663904-G-A.
Other names: c.6336G>A, p.Leu2112= (NM_000267.4).
Identifiers: ClinVar variation 485965 (VCV000485965.13), dbSNP rs1448544243, ClinGen allele CA499233985.